The following is an entry in ClinVar:

NM_139058.3(ARX):c.1448G>C (p.Arg483Thr)

Gene: ARX (aristaless related homeobox; minus strand). Cytogenetic location: Xp21.3.
Variant type: single nucleotide variant.
Coding change: c.1448G>C on transcript NM_139058.3 (MANE Select); coding-DNA position 1448, G replaced by C.
Protein change: p.Arg483Thr; replaces arginine 483 with threonine.
Molecular consequence: missense variant.
Genome position (GRCh38, 1-based): chrX:25,007,111, C>G on the plus strand (G>C on the coding strand, the complement: ARX is on the minus strand). VCF-style: chrX-25007111-C-G. GRCh37 (hg19) VCF-style: chrX-25025228-C-G.
Other names: short protein forms R483T.
Identifiers: ClinVar variation 2128638 (VCV002128638.4), dbSNP rs587783190, ClinGen allele CA412610995.

ClinVar aggregate classification (germline): Uncertain significance (1 of 4 stars; one submission).

Conditions:
Developmental and epileptic encephalopathy, 1 (DEE1). Also called: Epileptic encephalopathy, early infantile, 1; X-linked infantile spasms; West's syndrome; Tonic spasms with clustering, arrest of psychomotor development and hypsarrhythmia on EEG; X-Linked Infantile Spasm Syndrome; OHTAHARA SYNDROME, X-LINKED. Identifiers: MedGen C3463992, MONDO:0010632, OMIM 308350. Disease mechanism: loss of function.
Intellectual disability, X-linked, with or without seizures, ARX-related. Also called: Mental retardation, X-linked 52; MENTAL RETARDATION, X-LINKED 29; MENTAL RETARDATION, X-LINKED 32; MENTAL RETARDATION, X-LINKED 33; MENTAL RETARDATION, X-LINKED 38; MENTAL RETARDATION, X-LINKED 43. Identifiers: Orphanet 777, MedGen C0796244, MONDO:0010317, OMIM 300419.

Submission:

Labcorp Genetics (formerly Invitae), Labcorp
Classification: Uncertain significance for Developmental and epileptic encephalopathy, 1; Intellectual disability, X-linked, with or without seizures, ARX-related. Last evaluated: 2022-04-21. Review status: criteria provided, single submitter. Criteria: Invitae Variant Classification Sherloc (09022015). Collection method: clinical testing. Allele origin: germline.
Comment: In summary, the available evidence is currently insufficient to determine the role of this variant in disease. Therefore, it has been classified as a Variant of Uncertain Significance. This sequence change replaces arginine, which is basic and polar, with threonine, which is neutral and polar, at codon 483 of the ARX protein (p.Arg483Thr). This variant also falls at the last nucleotide of exon 4, which is part of the consensus splice site for this exon. This variant is not present in population databases (gnomAD no frequency). This variant has not been reported in the literature in individuals affected with ARX-related conditions. Algorithms developed to predict the effect of missense changes on protein structure and function are either unavailable or do not agree on the potential impact of this missense change (SIFT: "Deleterious"; PolyPhen-2: "Benign"; Align-GVGD: "Class C65"). Variants that disrupt the consensus splice site are a relatively common cause of aberrant splicing (PMID: 17576681, 9536098). Algorithms developed to predict the effect of sequence changes on RNA splicing suggest that this variant may disrupt the consensus splice site.

Literature cited by the submitters: PubMed 17576681; PubMed 9536098.